The following is an entry in ClinVar:

NM_138927.4(SON):c.1913C>T (p.Ala638Val)

Gene: SON (SON DNA and RNA binding protein; plus strand). Cytogenetic location: 21q22.11.
Variant type: single nucleotide variant.
Coding change: c.1913C>T on transcript NM_138927.4 (MANE Select); coding-DNA position 1913, C replaced by T.
Protein change: p.Ala638Val; replaces alanine 638 with valine.
Molecular consequence: missense variant. On other transcripts: non-coding transcript variant (1), intron variant (1).
Genome position (GRCh38, 1-based): chr21:33,551,144, C>T. VCF-style: chr21-33551144-C-T. GRCh37 (hg19) VCF-style: chr21-34923450-C-T.
Other names: c.1913C>T, p.Ala638Val (NM_001291411.2, NM_001412133.1, NM_032195.3 and 2 more transcripts); c.244+4765C>T (NM_001291412.3); short protein forms A638V.
Identifiers: ClinVar variation 1926427 (VCV001926427.5), dbSNP rs754335345, ClinGen allele CA10008989.

ClinVar aggregate classification (germline): Uncertain significance (1 of 4 stars; one submission).

Allele frequency attached by ClinVar (database versions not stated): ExAC 0.00001; gnomAD 0.00001; TOPMed 0.00002; gnomAD exomes 0.00003.
gnomAD v4.1: 47 of 1,613,224 alleles (0.0029%); highest among the groups gnomAD compares: South Asian, 0.0055%; no homozygotes.

Submission:

Labcorp Genetics (formerly Invitae), Labcorp
Classification: Uncertain significance. Last evaluated: 2025-05-09. Review status: criteria provided, single submitter. Criteria: Invitae Variant Classification Sherloc (09022015). Collection method: clinical testing. Allele origin: germline.
Comment: This sequence change replaces alanine, which is neutral and non-polar, with valine, which is neutral and non-polar, at codon 638 of the SON protein (p.Ala638Val). This variant is present in population databases (rs754335345, gnomAD 0.004%). This variant has not been reported in the literature in individuals affected with SON-related conditions. ClinVar contains an entry for this variant (Variation ID: 1926427). An algorithm developed to predict the effect of missense changes on protein structure and function (PolyPhen-2) suggests that this variant is likely to be disruptive. In summary, the available evidence is currently insufficient to determine the role of this variant in disease. Therefore, it has been classified as a Variant of Uncertain Significance.